The following is an entry in ClinVar:

ClinVar aggregate classification (germline): Uncertain significance (1 of 4 stars; one submission).

Conditions:
Chédiak-Higashi syndrome (CHS). Also called: Chediak-Higashi Syndrome. Identifiers: Orphanet 167, MedGen C0007965, MONDO:0008963, OMIM 214500.

gnomAD v4.1: 1 of 1,613,360 alleles (0.000062%); highest among the groups gnomAD compares: Non-Finnish European, 0.000085%; no homozygotes.

Submission:

Labcorp Genetics (formerly Invitae), Labcorp
Classification: Uncertain significance for Chédiak-Higashi syndrome. Last evaluated: 2022-03-03. Review status: criteria provided, single submitter. Criteria: Invitae Variant Classification Sherloc (09022015). Collection method: clinical testing. Allele origin: germline.
Comment: In summary, the available evidence is currently insufficient to determine the role of this variant in disease. Therefore, it has been classified as a Variant of Uncertain Significance. Algorithms developed to predict the effect of missense changes on protein structure and function (SIFT, PolyPhen-2, Align-GVGD) all suggest that this variant is likely to be tolerated. This variant has not been reported in the literature in individuals affected with LYST-related conditions. This variant is not present in population databases (gnomAD no frequency). This sequence change replaces alanine, which is neutral and non-polar, with threonine, which is neutral and polar, at codon 2080 of the LYST protein (p.Ala2080Thr).

NM_000081.4(LYST):c.6238G>A (p.Ala2080Thr)

Gene: LYST (lysosomal trafficking regulator; minus strand). Cytogenetic location: 1q42.3.
Variant type: single nucleotide variant.
Coding change: c.6238G>A on transcript NM_000081.4 (MANE Select); coding-DNA position 6238, G replaced by A.
Protein change: p.Ala2080Thr; replaces alanine 2080 with threonine.
Molecular consequence: missense variant.
Genome position (GRCh38, 1-based): chr1:235,762,735, C>T on the plus strand (G>A on the coding strand, the complement: LYST is on the minus strand). VCF-style: chr1-235762735-C-T. GRCh37 (hg19) VCF-style: chr1-235926035-C-T.
Other names: c.6238G>A, p.Ala2080Thr (NM_001301365.1); short protein forms A2080T.
Identifiers: ClinVar variation 1381450 (VCV001381450.7), dbSNP rs776938745, ClinGen allele CA39616809.